The following is an entry in ClinVar:

NM_001042545.2(LTBP4):c.1882C>T (p.Arg628Cys)

Gene: LTBP4 (latent transforming growth factor beta binding protein 4; plus strand). Cytogenetic location: 19q13.2.
Variant type: single nucleotide variant.
Coding change: c.1882C>T on transcript NM_001042545.2 (MANE Select); coding-DNA position 1882, C replaced by T.
Protein change: p.Arg628Cys; replaces arginine 628 with cysteine.
Molecular consequence: missense variant.
Genome position (GRCh38, 1-based): chr19:40,611,223, C>T. VCF-style: chr19-40611223-C-T. GRCh37 (hg19) VCF-style: chr19-41117129-C-T.
Other names: c.2083C>T, p.Arg695Cys (NM_001042544.1); c.1972C>T, p.Arg658Cys (NM_003573.2); short protein forms R628C, R658C, R695C.
Identifiers: ClinVar variation 449892 (VCV000449892.60), dbSNP rs200338042, ClinGen allele CA9448462.
Genomic context (GRCh38, chr19:40,611,223, plus strand): 5'-TGCACCCAGAGCCCAGGCCTGTGTGGCCGAGGGGCCTGCAAGAACCTGCCTGGCTCTTTC[C>T]GCTGTGTTTGCCCGGCTGGCTTCCGGGGCTCGGCGTGTGAAGAGGATGTGGATGAGTGTG-3'
Protein context (NP_001036010.1, residues 618-638): GACKNLPGSF[Arg628Cys]CVCPAGFRGS

ClinVar aggregate classification (germline): Conflicting classifications of pathogenicity. Review status: criteria provided, conflicting classifications (1 of 4 stars). 6 submissions from 6 submitters: Uncertain significance (1); Likely benign (5). Last evaluated 2026-09-14.

Conditions:
LTBP4-related disorder. Also called: LTBP4-related condition.
Inborn genetic diseases. Identifiers: MedGen C0950123, MeSH D030342.
Cutis laxa with severe pulmonary, gastrointestinal and urinary anomalies. Also called: URBAN-RIFKIN-DAVIS SYNDROME; Cutis laxa, autosomal recessive, type IC; LTBP4-Related Cutis Laxa. Identifiers: Orphanet 221145, MedGen C2750804, MONDO:0013170, OMIM 613177. Disease mechanism: loss of function.

Allele frequency attached by ClinVar (database versions not stated): gnomAD exomes 0.00087 and 0.00088; gnomAD 0.00051 and 0.00054; 1000 Genomes Project 0.00060; TOPMed 0.00074; 1000 Genomes Project 30x 0.00078; ESP Exome Variant Server 0.00082; ExAC 0.00083.
gnomAD v4.1: 1,395 of 1,613,782 alleles (0.086%); highest among the groups gnomAD compares: Admixed American, 0.31%; 2 homozygotes.

Submissions (6):

PreventionGenetics, part of Exact Sciences
Classification: Likely benign for LTBP4-related condition. Last evaluated: 2026-09-14. Review status: criteria provided, single submitter. Criteria: ACMG Guidelines, 2015. Collection method: clinical testing. Allele origin: germline.
Comment: This variant is classified as likely benign based on ACMG/AMP sequence variant interpretation guidelines (Richards et al. 2015 PMID: 25741868, with internal and published modifications).

CeGaT Center for Human Genetics Tuebingen
Classification: Likely benign. Last evaluated: 2026-08-01. Review status: criteria provided, single submitter. Criteria: CeGaT Center For Human Genetics Tuebingen Variant Classification Criteria Version 2. Collection method: clinical testing. Allele origin: germline. Affected: yes. Observed: 2 variant alleles.
Comment: LTBP4: BS2

Labcorp Genetics (formerly Invitae), Labcorp
Classification: Likely benign. Last evaluated: 2026-01-25. Review status: criteria provided, single submitter. Criteria: Invitae Variant Classification Sherloc (09022015). Collection method: clinical testing. Allele origin: germline.

Ambry Genetics
Classification: Uncertain significance for Inborn genetic diseases. Last evaluated: 2022-12-15. Review status: criteria provided, single submitter. Criteria: Ambry Variant Classification Scheme 2023. Collection method: clinical testing. Allele origin: germline.

GeneDx
Classification: Likely benign. Last evaluated: 2021-08-16. Review status: criteria provided, single submitter. Criteria: GeneDx Variant Classification Process June 2021. Collection method: clinical testing. Allele origin: germline. Affected: yes.

Illumina Laboratory Services, Illumina
Classification: Likely benign for Cutis laxa with severe pulmonary, gastrointestinal and urinary anomalies. Last evaluated: 2018-01-13. Review status: criteria provided, single submitter. Criteria: ICSL Variant Classification Criteria 13 December 2019. Collection method: clinical testing. Allele origin: germline.
Comment: This variant was observed in the ICSL laboratory as part of a predisposition screen in an ostensibly healthy population. It had not been previously curated by ICSL or reported in the Human Gene Mutation Database (HGMD: prior to June 1st, 2018), and was therefore a candidate for classification through an automated scoring system. Utilizing variant allele frequency, disease prevalence and penetrance estimates, and inheritance mode, an automated score was calculated to assess if this variant is too frequent to cause the disease. Based on the score and internal cut-off values, a variant classified as likely benign is not then subjected to further curation. The score for this variant resulted in a classification of likely benign for this disease.